The following is an entry in ClinVar:

NM_001282531.3(ADNP):c.2292T>G (p.Tyr764Ter)

Gene: ADNP (activity dependent neuroprotector homeobox; minus strand). Cytogenetic location: 20q13.13.
Variant type: single nucleotide variant.
Coding change: c.2292T>G on transcript NM_001282531.3 (MANE Select); coding-DNA position 2292, T replaced by G.
Protein change: p.Tyr764Ter; replaces tyrosine 764 with a stop codon.
Molecular consequence: nonsense.
Genome position (GRCh38, 1-based): chr20:50,892,422, A>C on the plus strand (T>G on the coding strand, the complement: ADNP is on the minus strand). VCF-style: chr20-50892422-A-C. GRCh37 (hg19) VCF-style: chr20-49508959-A-C.
Other names: c.2292T>G, p.Tyr764Ter (NM_001282532.2, NM_001347511.2, NM_015339.5 and 1 more transcripts); short protein forms Y764*.
Identifiers: ClinVar variation 1709398 (VCV001709398.2), dbSNP rs2515579204, ClinGen allele CA408970738.

ClinVar aggregate classification (germline): Pathogenic (1 of 4 stars; one submission).

Conditions:
ADNP-related multiple congenital anomalies - intellectual disability - autism spectrum disorder. Also called: Helsmoortel-Van der Aa Syndrome; ADNP-Related Helsmoortel-Van der Aa Syndrome. Identifiers: Orphanet 404448, MedGen C4014538, MONDO:0014379, OMIM 615873. Disease mechanism: loss of function.

Submission:

MGZ Medical Genetics Center
Classification: Pathogenic for ADNP-related multiple congenital anomalies - intellectual disability - autism spectrum disorder. Last evaluated: 2022-08-09. Review status: criteria provided, single submitter. Criteria: ACMG Guidelines, 2015. Collection method: clinical testing. Allele origin: germline. Affected: yes. Observed: 1 variant allele.
Comment: ACMG criteria applied: PVS1, PS2, PM2_SUP